The following is an entry in ClinVar:

ClinVar aggregate classification (germline): Likely pathogenic. Review status: criteria provided, multiple submitters, no conflicts (2 of 4 stars). 4 submissions from 4 submitters: Likely pathogenic (3). 1 of the submissions does not count toward it. Last evaluated 2024-03-09.

Conditions:
RDH12-related disorder. Also called: RDH12-related disorders; RDH12-related condition.
Leber congenital amaurosis 13 (LCA13). Identifiers: MedGen C2675186, MONDO:0012990, OMIM 612712.

gnomAD v4.1: 19 of 1,609,880 alleles (0.0012%); highest among the groups gnomAD compares: Non-Finnish European, 0.0015%; no homozygotes.

Submissions (4):

Fulgent Genetics
Classification: Likely pathogenic for Leber congenital amaurosis 13. Last evaluated: 2024-03-09. Review status: criteria provided, single submitter. Criteria: ACMG Guidelines, 2015. Collection method: clinical testing. Allele origin: germline.

Labcorp Genetics (formerly Invitae), Labcorp
Classification: Likely pathogenic for Leber congenital amaurosis 13. Last evaluated: 2023-07-10. Review status: criteria provided, single submitter. Criteria: Invitae Variant Classification Sherloc (09022015). Collection method: clinical testing. Allele origin: germline.
Comment: This variant is present in population databases (no rsID available, gnomAD 0.002%). In summary, the currently available evidence indicates that the variant is pathogenic, but additional data are needed to prove that conclusively. Therefore, this variant has been classified as Likely Pathogenic. This variant disrupts the p.Arg239 amino acid residue in RDH12. Other variant(s) that disrupt this residue have been determined to be pathogenic (PMID: 16269441, 24474277; Invitae). This suggests that this residue is clinically significant, and that variants that disrupt this residue are likely to be disease-causing. Advanced modeling of protein sequence and biophysical properties (such as structural, functional, and spatial information, amino acid conservation, physicochemical variation, residue mobility, and thermodynamic stability) performed at Invitae indicates that this missense variant is not expected to disrupt RDH12 protein function. ClinVar contains an entry for this variant (Variation ID: 977811). This missense change has been observed in individuals with clinical features of autosomal recessive retinitis pigmentosa (PMID: 24474277; Invitae). This sequence change replaces arginine, which is basic and polar, with glutamine, which is neutral and polar, at codon 239 of the RDH12 protein (p.Arg239Gln).

Blueprint Genetics
Classification: Likely pathogenic for RDH12-related disorders. Last evaluated: 2021-11-30. Review status: criteria provided, single submitter. Criteria: ACMG Guidelines, 2015. Collection method: clinical testing. Allele origin: germline. Affected: yes. Observed: 2 variant alleles.

Laboratory of Genetics in Ophthalmology, Institut Imagine
Classification: Likely pathogenic for Leber congenital amaurosis 13. Review status: no assertion criteria provided. Collection method: research. Allele origin: inherited. Affected: yes. Observed: 3 variant alleles. Not counted in ClinVar's aggregate classification.

Literature cited by the submitters: PubMed 16269441 (cited by Labcorp Genetics (formerly Invitae), Labcorp); PubMed 24474277 (cited by Labcorp Genetics (formerly Invitae), Labcorp and Laboratory of Genetics in Ophthalmology, Institut Imagine).

NM_152443.3(RDH12):c.716G>A (p.Arg239Gln)

Genes: GPHN (gephyrin; plus strand), RDH12 (retinol dehydrogenase 12; plus strand), ZFYVE26 (zinc finger FYVE-type containing 26; minus strand). Cytogenetic location: 14q24.1.
Variant type: single nucleotide variant.
Coding change: c.716G>A on transcript NM_152443.3 (MANE Select); coding-DNA position 716, G replaced by A.
Protein change: p.Arg239Gln; replaces arginine 239 with glutamine.
Molecular consequence: missense variant.
Genome position (GRCh38, 1-based): chr14:67,729,248, G>A. VCF-style: chr14-67729248-G-A. GRCh37 (hg19) VCF-style: chr14-68195965-G-A.
Other names: short protein forms R239Q.
Identifiers: ClinVar variation 977811 (VCV000977811.8), dbSNP rs1239043055, ClinGen allele CA390152961.
Genomic context (GRCh38, chr14:67,729,248, plus strand): 5'-CAGGCACCGGGGTCACCACCTACGCAGTGCACCCAGGCGTCGTCCGCTCTGAGCTGGTCC[G>A]GCACTCCTCCCTGCTCTGCCTGCTCTGGCGGCTCTTCTCCCCCTTTGTCAAGACGGCACG-3'
Protein context (NP_689656.2, residues 229-249): HPGVVRSELV[Arg239Gln]HSSLLCLLWR